The following is an entry in ClinVar:

NM_206933.4(USH2A):c.1439T>C (p.Val480Ala)

Gene: USH2A (usherin; minus strand). Cytogenetic location: 1q41.
Variant type: single nucleotide variant.
Coding change: c.1439T>C on transcript NM_206933.4 (MANE Select); coding-DNA position 1439, T replaced by C.
Protein change: p.Val480Ala; replaces valine 480 with alanine.
Molecular consequence: missense variant.
Genome position (GRCh38, 1-based): chr1:216,323,585, A>G on the plus strand (T>C on the coding strand, the complement: USH2A is on the minus strand). VCF-style: chr1-216323585-A-G. GRCh37 (hg19) VCF-style: chr1-216496927-A-G.
Other names: c.1439T>C, p.Val480Ala (NM_007123.6); short protein forms V480A.
Identifiers: ClinVar variation 833899 (VCV000833899.25), dbSNP rs200981928, ClinGen allele CA1396520.

ClinVar aggregate classification (germline): Conflicting classifications of pathogenicity. Review status: criteria provided, conflicting classifications (1 of 4 stars). 13 submissions from 12 submitters: Uncertain significance (7); Likely benign (1). 5 of the submissions do not count toward it. Last evaluated 2026-06-12.

Conditions:
Retinitis pigmentosa (RP). Identifiers: Orphanet 791, MedGen C0035334, MeSH D012174, MONDO:0019200, OMIM 268000. Inheritance: Autosomal dominant, autosomal recessive and X linked inheritance.
USH2A-related disorder. Also called: USH2A-related condition; USH2A-related disorders. Identifiers: MedGen CN239332.
Inborn genetic diseases. Identifiers: MedGen C0950123, MeSH D030342.
Retinal dystrophy. Also called: Inherited retinal dystrophy. Identifiers: Orphanet 71862, MedGen C0854723, MeSH D058499, MONDO:0019118, HP:0000556.
Retinitis pigmentosa 39 (RP39). Identifiers: Orphanet 791, MedGen C3151138, MONDO:0013436, OMIM 613809.
Usher syndrome type 2A. Also called: USHER SYNDROME, TYPE IIA; RETINAL DISEASE IN USHER SYNDROME TYPE IIA, MODIFIER OF. Identifiers: Orphanet 231178, Orphanet 886, MedGen C1848634, MONDO:0010169, OMIM 276901.

Allele frequency attached by ClinVar (database versions not stated): ExAC 0.00009; 1000 Genomes Project 30x 0.00016; gnomAD exomes 0.00020 and 0.00061; ESP Exome Variant Server 0.00023; gnomAD 0.00025; TOPMed 0.00027.
gnomAD v4.1: 906 of 1,613,624 alleles (0.056%); highest among the groups gnomAD compares: Non-Finnish European, 0.075%; no homozygotes.

Submissions (13):

PreventionGenetics, part of Exact Sciences
Classification: Uncertain significance for USH2A-related condition. Last evaluated: 2026-06-12. Review status: criteria provided, single submitter. Criteria: ACMG Guidelines, 2015. Collection method: clinical testing. Allele origin: germline.
Comment: The USH2A c.1439T>C variant is predicted to result in the amino acid substitution p.Val480Ala. This variant has been reported in the heterozygous state in an individual with retinitis pigmentosa without a second USH2A variant identified (Reurink et al. 2023. PubMed ID: 36785559). This variant is reported in 0.043% of alleles in individuals of European (Non-Finnish) descent in gnomAD. At this time, the clinical significance of this variant is uncertain due to the absence of conclusive functional and genetic evidence.

Labcorp Genetics (formerly Invitae), Labcorp
Classification: Likely benign. Last evaluated: 2026-02-04. Review status: criteria provided, single submitter. Criteria: Invitae Variant Classification Sherloc (09022015). Collection method: clinical testing. Allele origin: germline.

Blueprint Genetics
Classification: Uncertain significance. Last evaluated: 2024-09-08. Review status: criteria provided, single submitter. Criteria: ACMG Guidelines, 2015. Collection method: clinical testing. Allele origin: germline.

Ambry Genetics
Classification: Uncertain significance for Inborn genetic diseases. Last evaluated: 2021-09-27. Review status: criteria provided, single submitter. Criteria: Ambry Variant Classification Scheme 2023. Collection method: clinical testing. Allele origin: germline.

Institute of Human Genetics, Clinical Exome/Genome Diagnostics Group, University Hospital Bonn
Classification: Uncertain significance for Retinitis pigmentosa 39; Usher syndrome type 2A. Last evaluated: 2021-08-17. Review status: criteria provided, single submitter. Criteria: ACMG Guidelines, 2015. Collection method: clinical testing. Allele origin: paternal.

DBGen Ocular Genomics
Classification: Uncertain significance for Retinitis pigmentosa 39. Last evaluated: 2021-06-23. Review status: criteria provided, single submitter. Criteria: ACMG Guidelines, 2015. Collection method: clinical testing. Allele origin: germline. Affected: yes. Observed: 1 variant allele.

Illumina Laboratory Services, Illumina
Classification: Uncertain significance for Usher syndrome type 2A. Last evaluated: 2018-01-13. Review status: criteria provided, single submitter. Criteria: ICSL Variant Classification Criteria 13 December 2019. Collection method: clinical testing. Allele origin: germline.

Illumina Laboratory Services, Illumina
Classification: Uncertain significance for Retinitis pigmentosa. Last evaluated: 2018-01-13. Review status: criteria provided, single submitter. Criteria: ICSL Variant Classification Criteria 13 December 2019. Collection method: clinical testing. Allele origin: germline.

Institute of Human Genetics, Univ. Regensburg, Univ. Regensburg
Classification: Uncertain significance for Retinal dystrophy. Last evaluated: 2022-01-01. Review status: no assertion criteria provided. Criteria: ACMG Guidelines, 2015. Collection method: clinical testing. Allele origin: germline. Affected: yes. Not counted in ClinVar's aggregate classification.

Natera, Inc.
Classification: Uncertain significance for Usher syndrome type 2A. Last evaluated: 2020-01-24. Review status: no assertion criteria provided. Collection method: clinical testing. Allele origin: germline. Not counted in ClinVar's aggregate classification.

Clinical Genetics DNA and cytogenetics Diagnostics Lab, Erasmus MC, Erasmus Medical Center
Classification: Uncertain significance. Review status: no assertion criteria provided. Collection method: clinical testing. Allele origin: germline. Affected: yes. Study: VKGL Data-share Consensus. Not counted in ClinVar's aggregate classification.

Clinical Genetics, Academic Medical Center
Classification: Uncertain significance. Review status: no assertion criteria provided. Collection method: clinical testing. Allele origin: germline. Affected: yes. Study: VKGL Data-share Consensus. Not counted in ClinVar's aggregate classification.

Joint Genome Diagnostic Labs from Nijmegen and Maastricht, Radboudumc and MUMC+
Classification: Uncertain significance. Review status: no assertion criteria provided. Collection method: clinical testing. Allele origin: germline. Affected: yes. Study: VKGL Data-share Consensus. Not counted in ClinVar's aggregate classification.